The following is an entry in ClinVar:

NM_003482.4(KMT2D):c.12876A>T (p.Pro4292=)

Gene: KMT2D (lysine methyltransferase 2D; minus strand). Cytogenetic location: 12q13.12.
Variant type: single nucleotide variant.
Coding change: c.12876A>T on transcript NM_003482.4 (MANE Select); coding-DNA position 12876, A replaced by T.
Protein change: p.Pro4292=; no amino-acid change (proline 4292 retained).
Molecular consequence: synonymous variant.
Genome position (GRCh38, 1-based): chr12:49,031,829, T>A on the plus strand (A>T on the coding strand, the complement: KMT2D is on the minus strand). VCF-style: chr12-49031829-T-A. GRCh37 (hg19) VCF-style: chr12-49425612-T-A.
Identifiers: ClinVar variation 2850648 (VCV002850648.5), dbSNP rs1470086193, ClinGen allele CA479707994.
Genomic context (GRCh38, chr12:49,031,829, plus strand): 5'-GGATGGTGGAGGTGTGGGATGGACAGGGCCAAGGACTGGTCCTGTAGATAAGGCTCCTGG[T>A]GGGGCAGGGAGCCGGGGTGGGCCCTGAGGTCGAGGCCCTGCCCCTAGCTCCTGGAGGGGG-3'
Protein context (NP_003473.3, residues 4282-4302): RPQGPPRLPA[Pro4292=]PGALSTGPVL

ClinVar aggregate classification (germline): Likely benign. Review status: criteria provided, single submitter (1 of 4 stars). 2 submissions from 2 submitters: Likely benign (1). 1 of the submissions does not count toward it. Last evaluated 2024-09-05.

Conditions:
KMT2D-related disorder. Also called: KMT2D-Related Disorders.
Kabuki syndrome. Also called: Kabuki make-up syndrome; NIIKAWA-KUROKI SYNDROME. Identifiers: Orphanet 2322, MedGen C0796004, MONDO:0016512.

Allele frequency attached by ClinVar (database versions not stated): TOPMed 0.00001.

Submissions (2):

Labcorp Genetics (formerly Invitae), Labcorp
Classification: Likely benign for Kabuki syndrome. Last evaluated: 2024-09-05. Review status: criteria provided, single submitter. Criteria: Invitae Variant Classification Sherloc (09022015). Collection method: clinical testing. Allele origin: germline.

PreventionGenetics, part of Exact Sciences
Classification: Likely benign for KMT2D-related condition. Last evaluated: 2023-08-01. Review status: no assertion criteria provided. Collection method: clinical testing. Allele origin: germline. Not counted in ClinVar's aggregate classification.
Comment: This variant is classified as likely benign based on ACMG/AMP sequence variant interpretation guidelines (Richards et al. 2015 PMID: 25741868, with internal and published modifications).